The following is an entry in ClinVar:

ClinVar aggregate classification (germline): Pathogenic/Likely pathogenic. Review status: criteria provided, multiple submitters, no conflicts (2 of 4 stars). 4 submissions from 4 submitters: Pathogenic (2); Likely pathogenic (2). Last evaluated 2025-11-16.

Conditions:
Retinal disorder. Also called: Retinopathies; Retinal Diseases; Retinopathy; Retinal disorders. Identifiers: MedGen C0035309, MONDO:0005283, HP:0000488.
WDR19-related disorder. Also called: WDR19-related disorders; WDR19-related condition. Identifiers: MedGen CN380161.
Asphyxiating thoracic dystrophy 5 (SRTD5). Also called: SHORT-RIB THORACIC DYSPLASIA 5 WITH OR WITHOUT POLYDACTYLY; SHORT-RIB THORACIC DYSPLASIA 5 WITHOUT POLYDACTYLY. Identifiers: Orphanet 474, MedGen C3280598, MONDO:0013717, OMIM 614376.
Senior-Loken syndrome 8 (SLSN8). Identifiers: Orphanet 3156, MedGen C4225376, MONDO:0014579, OMIM 616307.

Allele frequency attached by ClinVar (database versions not stated): gnomAD 0.00001; gnomAD exomes 0.00001 and 0.00003; TOPMed 0.00001.
gnomAD v4.1: 48 of 1,604,148 alleles (0.003%); highest among the groups gnomAD compares: Non-Finnish European, 0.0039%; no homozygotes.

Submissions (4):

Genetics Laboratory, Great Ormond Street Hospital NHS Foundation Trust, North Thames Genomic Laboratory Hub
Classification: Pathogenic for Retinal disorders. Last evaluated: 2025-11-16. Review status: criteria provided, single submitter. Criteria: ACGS Best Practice Guidelines for Variant Classification in Rare Disease 2024 v1.2. Collection method: clinical testing. Allele origin: germline. Affected: yes.
Comment: PM2_moderate, PVS1_very-strong

Labcorp Genetics (formerly Invitae), Labcorp
Classification: Pathogenic for Senior-Loken syndrome 8; Asphyxiating thoracic dystrophy 5. Last evaluated: 2025-03-22. Review status: criteria provided, single submitter. Criteria: Invitae Variant Classification Sherloc (09022015). Collection method: clinical testing. Allele origin: germline.
Comment: This sequence change creates a premature translational stop signal (p.Leu92*) in the WDR19 gene. It is expected to result in an absent or disrupted protein product. Loss-of-function variants in WDR19 are known to be pathogenic (PMID: 22019273, 23559409, 23683095, 26275793, 27241786, 29068549). This variant is present in population databases (no rsID available, gnomAD 0.003%). This premature translational stop signal has been observed in individual(s) with WDR19-related disorders (PMID: 26275793, 30266093). ClinVar contains an entry for this variant (Variation ID: 961687). For these reasons, this variant has been classified as Pathogenic.

GeneDx
Classification: Likely pathogenic. Last evaluated: 2024-06-11. Review status: criteria provided, single submitter. Criteria: GeneDx Variant Classification Process June 2021. Collection method: clinical testing. Allele origin: germline. Affected: yes.
Comment: Nonsense variant predicted to result in protein truncation or nonsense mediated decay in a gene for which loss of function is a known mechanism of disease; This variant is associated with the following publications: (PMID: 30266093, 35372954, 26275793)

Blueprint Genetics
Classification: Likely pathogenic for WDR19-related disorders. Last evaluated: 2022-04-18. Review status: criteria provided, single submitter. Criteria: ACMG Guidelines, 2015. Collection method: clinical testing. Allele origin: germline. Affected: yes. Observed: 3 variant alleles.

Literature cited by the submitters: PubMed 22019273 (cited by Labcorp Genetics (formerly Invitae), Labcorp); PubMed 23559409 (cited by Labcorp Genetics (formerly Invitae), Labcorp); PubMed 23683095 (cited by Labcorp Genetics (formerly Invitae), Labcorp); PubMed 26275793 (cited by Labcorp Genetics (formerly Invitae), Labcorp); PubMed 27241786 (cited by Labcorp Genetics (formerly Invitae), Labcorp); PubMed 29068549 (cited by Labcorp Genetics (formerly Invitae), Labcorp); PubMed 30266093 (cited by Labcorp Genetics (formerly Invitae), Labcorp).

NM_025132.4(WDR19):c.275T>G (p.Leu92Ter)

Gene: WDR19 (WD repeat domain 19; plus strand). Cytogenetic location: 4p14.
Variant type: single nucleotide variant.
Coding change: c.275T>G on transcript NM_025132.4 (MANE Select); coding-DNA position 275, T replaced by G.
Protein change: p.Leu92Ter; replaces leucine 92 with a stop codon.
Molecular consequence: nonsense. On other transcripts: 5 prime UTR variant (1).
Genome position (GRCh38, 1-based): chr4:39,189,766, T>G. VCF-style: chr4-39189766-T-G. GRCh37 (hg19) VCF-style: chr4-39191386-T-G.
Other names: c.-90T>G (NM_001317924.2); short protein forms L92*.
Identifiers: ClinVar variation 961687 (VCV000961687.13), dbSNP rs926405916, ClinGen allele CA95678493.